The following is an entry in ClinVar:

NM_003001.5(SDHC):c.15G>T (p.Leu5Phe)

Gene: SDHC (succinate dehydrogenase complex subunit C; plus strand). Cytogenetic location: 1q23.3.
Variant type: single nucleotide variant.
Coding change: c.15G>T on transcript NM_003001.5 (MANE Select); coding-DNA position 15, G replaced by T.
Protein change: p.Leu5Phe; replaces leucine 5 with phenylalanine.
Molecular consequence: missense variant.
Genome position (GRCh38, 1-based): chr1:161,314,420, G>T. VCF-style: chr1-161314420-G-T. GRCh37 (hg19) VCF-style: chr1-161284210-G-T.
Other names: c.15G>T, p.Leu5Phe (NM_001035511.3, NM_001035512.3, NM_001035513.3 and 6 more transcripts); c.-546G>T (NM_001407119.1); c.-215G>T (NM_001407120.1); short protein forms L5F.
Identifiers: ClinVar variation 184591 (VCV000184591.31), dbSNP rs771746264, ClinGen allele CA016220.

ClinVar aggregate classification (germline): Uncertain significance. Review status: criteria provided, multiple submitters, no conflicts (2 of 4 stars). 8 submissions from 8 submitters: Uncertain significance (8). Last evaluated 2026-01-14.

Conditions:
SDHC-related disorder. Also called: SDHC-related condition.
Gastrointestinal stromal tumor. Also called: Gastrointestinal stromal tumor, somatic; Gastrointestinal stroma tumor. Identifiers: Orphanet 44890, MedGen C0238198, MeSH D046152, MONDO:0011719, OMIM 606764, HP:0100723.
Pheochromocytoma/paraganglioma syndrome 3. Also called: Paragangliomas 3; GLOMUS TUMORS, FAMILIAL, 3; SDHC-Related Hereditary Paraganglioma-Pheochromocytoma Syndrome; SDHC-Related Hereditary Paraganglioma-Pheochromocytoma Syndrome (Paragangliomas 3). Identifiers: Orphanet 29072, MedGen C1854336, MONDO:0011544, OMIM 605373.
Hereditary cancer-predisposing syndrome. Also called: Neoplastic Syndromes, Hereditary; Tumor predisposition; Hereditary neoplastic syndrome; Hereditary Cancer Syndrome. Identifiers: Orphanet 140162, MedGen C0027672, MeSH D009386, MONDO:0015356.
Hereditary pheochromocytoma and paraganglioma. Also called: Hereditary pheochromocytoma-paraganglioma; Hereditary paragangliomas and pheochromocytomas; Hereditary Paraganglioma-Pheochromocytoma Syndromes. Identifiers: Orphanet 29072, MedGen C4274332, MONDO:0017366.

Allele frequency attached by ClinVar (database versions not stated): ExAC 0.00001; gnomAD 0.00001; gnomAD exomes 0.00002; TOPMed 0.00002.
gnomAD v4.1: 98 of 1,611,968 alleles (0.0061%); highest among the groups gnomAD compares: Non-Finnish European, 0.0075%; no homozygotes.

Submissions (8):

Labcorp Genetics (formerly Invitae), Labcorp
Classification: Uncertain significance for Pheochromocytoma/paraganglioma syndrome 3; Gastrointestinal stromal tumor. Last evaluated: 2026-01-14. Review status: criteria provided, single submitter. Criteria: Invitae Variant Classification Sherloc (09022015). Collection method: clinical testing. Allele origin: germline.
Comment: This sequence change replaces leucine, which is neutral and non-polar, with phenylalanine, which is neutral and non-polar, at codon 5 of the SDHC protein (p.Leu5Phe). This variant is present in population databases (rs771746264, gnomAD 0.004%). This variant has not been reported in the literature in individuals affected with SDHC-related conditions. ClinVar contains an entry for this variant (Variation ID: 184591). An algorithm developed to predict the effect of missense changes on protein structure and function (PolyPhen-2) suggests that this variant is likely to be tolerated. In summary, the available evidence is currently insufficient to determine the role of this variant in disease. Therefore, it has been classified as a Variant of Uncertain Significance.

PreventionGenetics, part of Exact Sciences
Classification: Uncertain significance for SDHC-related condition. Last evaluated: 2025-07-22. Review status: criteria provided, single submitter. Criteria: ACMG Guidelines, 2015. Collection method: clinical testing. Allele origin: germline.
Comment: The SDHC c.15G>T variant is predicted to result in the amino acid substitution p.Leu5Phe. To our knowledge, this variant has not been reported in the literature. This variant is reported in 0.0039% of alleles in individuals of European (Non-Finnish) descent in gnomAD and is classified as a variant of uncertain significance (VUS) in the ClinVar database (Variation ID: 184591). At this time, the clinical significance of this variant is uncertain due to the absence of conclusive functional and genetic evidence.

Quest Diagnostics Nichols Institute San Juan Capistrano
Classification: Uncertain significance. Last evaluated: 2025-05-05. Review status: criteria provided, single submitter. Criteria: Quest Diagnostics criteria. Collection method: clinical testing. Allele origin: unknown.
Comment: The SDHC c.15G>T (p.Leu5Phe) variant has been reported in the published literature in a reportedly unaffected individual (PMID: 38473309 (2024)). The frequency of this variant in the general population (Genome Aggregation Database) is uninformative in the assessment of its pathogenicity. Analysis of this variant using bioinformatics tools for the prediction of the effect of amino acid changes on protein structure and function yielded predictions that this variant is benign. Based on the available information, we are unable to determine the clinical significance of this variant.

Ambry Genetics
Classification: Uncertain significance for Hereditary cancer-predisposing syndrome. Last evaluated: 2025-02-11. Review status: criteria provided, single submitter. Criteria: Ambry Variant Classification Scheme 2023. Collection method: clinical testing. Allele origin: germline.
Comment: The p.L5F variant (also known as c.15G>T), located in coding exon 1 of the SDHC gene, results from a G to T substitution at nucleotide position 15. The leucine at codon 5 is replaced by phenylalanine, an amino acid with highly similar properties. Based on protein sequence alignment, this amino acid position is well conserved in available vertebrate species. In addition, the in silico prediction for this alteration is inconclusive. Since supporting evidence is limited at this time, the clinical significance of this alteration remains unclear.

Color Diagnostics, LLC DBA Color Health
Classification: Uncertain significance for Hereditary pheochromocytoma and paraganglioma. Last evaluated: 2024-01-29. Review status: criteria provided, single submitter. Criteria: ACMG Guidelines, 2015. Collection method: clinical testing. Allele origin: germline.
Comment: This missense variant replaces leucine with phenylalanine at codon 5 of the SDHC protein. Computational prediction suggests that this variant may not impact protein structure and function. To our knowledge, functional studies have not been reported for this variant. This variant has not been reported in individuals affected with SDHC-related disorders in the literature. This variant has been identified in 5/282044 chromosomes in the general population by the Genome Aggregation Database (gnomAD). The available evidence is insufficient to determine the role of this variant in disease conclusively. Therefore, this variant is classified as a Variant of Uncertain Significance.

Baylor Genetics
Classification: Uncertain significance for Gastrointestinal stromal tumor. Last evaluated: 2023-09-27. Review status: criteria provided, single submitter. Criteria: ACMG Guidelines, 2015. Collection method: clinical testing. Allele origin: unknown.

GeneDx
Classification: Uncertain significance. Last evaluated: 2020-12-01. Review status: criteria provided, single submitter. Criteria: GeneDx Variant Classification Process June 2021. Collection method: clinical testing. Allele origin: germline. Affected: yes.
Comment: Not observed at a significant frequency in large population cohorts (Lek 2016); In silico analysis supports that this missense variant does not alter protein structure/function; Has not been previously published as pathogenic or benign to our knowledge

Illumina Laboratory Services, Illumina
Classification: Uncertain significance for Hereditary Paraganglioma-Pheochromocytoma Syndromes. Last evaluated: 2018-01-12. Review status: criteria provided, single submitter. Criteria: ICSL Variant Classification Criteria 13 December 2019. Collection method: clinical testing. Allele origin: germline.

Literature cited by the submitters: PubMed 38473309 (cited by Quest Diagnostics Nichols Institute San Juan Capistrano).